The following is an entry in ClinVar:

NM_001161352.2(KCNMA1):c.2912C>A (p.Pro971His)

Genes: KCNMA1-AS1 (KCNMA1 antisense RNA 1; plus strand), KCNMA1 (potassium calcium-activated channel subfamily M alpha 1; minus strand). Cytogenetic location: 10q22.3.
Variant type: single nucleotide variant.
Coding change: c.2912C>A on transcript NM_001161352.2 (MANE Select); coding-DNA position 2912, C replaced by A.
Protein change: p.Pro971His; replaces proline 971 with histidine.
Molecular consequence: missense variant.
Genome position (GRCh38, 1-based): chr10:76,915,040, G>T on the plus strand (C>A on the coding strand, the complement: KCNMA1 is on the minus strand). VCF-style: chr10-76915040-G-T. GRCh37 (hg19) VCF-style: chr10-78674798-G-T.
Other names: c.2750C>A, p.Pro917His (NM_001014797.3, NM_001322835.2, NM_001322837.2); c.2861C>A, p.Pro954His (NM_001161353.2); c.2588C>A, p.Pro863His (NM_001271518.2); c.2747C>A, p.Pro916His (NM_001271519.2, NM_001322829.2, NM_001322836.2); c.2759C>A, p.Pro920His (NM_001322830.2); c.2738C>A, p.Pro913His (NM_001322832.2, NM_001410940.1, NM_002247.4); c.2285C>A, p.Pro762His (NM_001322838.2); short protein forms P762H, P863H, P913H, P916H, P917H, P920H, P954H, P971H.
Identifiers: ClinVar variation 3609442 (VCV003609442.2).

ClinVar aggregate classification (germline): Uncertain significance (1 of 4 stars; one submission).

Conditions:
Generalized epilepsy-paroxysmal dyskinesia syndrome (PNKD3). Also called: Generalized epilepsy and paroxysmal dyskinesia; Paroxysmal nonkinesigenic dyskinesia, 3, with or without generalized epilepsy. Identifiers: Orphanet 79137, MedGen C5574945, MONDO:0012276, OMIM 609446.

gnomAD v4.1: 3 of 1,611,596 alleles (0.00019%); highest among the groups gnomAD compares: African/African-American, 0.004%; no homozygotes.

Submission:

Labcorp Genetics (formerly Invitae), Labcorp
Classification: Uncertain significance for Generalized epilepsy-paroxysmal dyskinesia syndrome. Last evaluated: 2024-08-06. Review status: criteria provided, single submitter. Criteria: Invitae Variant Classification Sherloc (09022015). Collection method: clinical testing. Allele origin: germline.
Comment: This sequence change replaces proline, which is neutral and non-polar, with histidine, which is basic and polar, at codon 913 of the KCNMA1 protein (p.Pro913His). This variant is not present in population databases (gnomAD no frequency). This variant has not been reported in the literature in individuals affected with KCNMA1-related conditions. An algorithm developed to predict the effect of missense changes on protein structure and function (PolyPhen-2) suggests that this variant is likely to be disruptive. In summary, the available evidence is currently insufficient to determine the role of this variant in disease. Therefore, it has been classified as a Variant of Uncertain Significance.